The following is an entry in ClinVar:

ClinVar aggregate classification (germline): Uncertain significance (1 of 4 stars; one submission).

Conditions:
Hereditary pancreatitis (PCTT). Also called: Hereditary chronic pancreatitis; PRSS1-Related Hereditary Pancreatitis. Identifiers: Orphanet 676, MedGen C0238339, MONDO:0008185, OMIM 167800.

Allele frequency attached by ClinVar (database versions not stated): gnomAD 0.00001; TOPMed below 0.00001.
gnomAD v4.1: 1 of 1,614,008 alleles (0.000062%); highest among the groups gnomAD compares: Non-Finnish European, 0.000085%; no homozygotes.

Submission:

Ambry Genetics
Classification: Uncertain significance for Hereditary pancreatitis. Last evaluated: 2025-04-05. Review status: criteria provided, single submitter. Criteria: Ambry Variant Classification Scheme 2023. Collection method: clinical testing. Allele origin: germline.
Comment: The p.I396F variant (also known as c.1186A>T), located in coding exon 10 of the CPA1 gene, results from an A to T substitution at nucleotide position 1186. The isoleucine at codon 396 is replaced by phenylalanine, an amino acid with highly similar properties. This amino acid position is conserved. In addition, this alteration is predicted to be deleterious by in silico analysis. Since supporting evidence is limited at this time, the clinical significance of this alteration remains unclear.

NM_001868.4(CPA1):c.1186A>T (p.Ile396Phe)

Gene: CPA1 (carboxypeptidase A1; plus strand). Cytogenetic location: 7q32.2.
Variant type: single nucleotide variant.
Coding change: c.1186A>T on transcript NM_001868.4 (MANE Select); coding-DNA position 1186, A replaced by T.
Protein change: p.Ile396Phe; replaces isoleucine 396 with phenylalanine.
Molecular consequence: missense variant.
Genome position (GRCh38, 1-based): chr7:130,387,937, A>T. VCF-style: chr7-130387937-A-T. GRCh37 (hg19) VCF-style: chr7-130027778-A-T.
Other names: short protein forms I396F.
Identifiers: ClinVar variation 1743461 (VCV001743461.3), dbSNP rs1796501551, ClinGen allele CA369284448.